The following is an entry in ClinVar:

ClinVar aggregate classification (germline): Uncertain significance (1 of 4 stars; one submission).

Allele frequency attached by ClinVar (database versions not stated): gnomAD exomes below 0.00001.
gnomAD v4.1: 6 of 1,546,926 alleles (0.00039%); highest among the groups gnomAD compares: African/African-American, 0.0027%; no homozygotes.

Submission:

Labcorp Genetics (formerly Invitae), Labcorp
Classification: Uncertain significance. Last evaluated: 2022-09-20. Review status: criteria provided, single submitter. Criteria: Invitae Variant Classification Sherloc (09022015). Collection method: clinical testing. Allele origin: germline.
Comment: In summary, the available evidence is currently insufficient to determine the role of this variant in disease. Therefore, it has been classified as a Variant of Uncertain Significance. Algorithms developed to predict the effect of missense changes on protein structure and function output the following: SIFT: "Tolerated"; PolyPhen-2: "Benign"; Align-GVGD: "Class C0". The leucine amino acid residue is found in multiple mammalian species, which suggests that this missense change does not adversely affect protein function. This variant has not been reported in the literature in individuals affected with FCHO1-related conditions. The frequency data for this variant in the population databases is considered unreliable, as metrics indicate poor data quality at this position in the gnomAD database. This sequence change replaces proline, which is neutral and non-polar, with leucine, which is neutral and non-polar, at codon 518 of the FCHO1 protein (p.Pro518Leu).

NM_015122.3(FCHO1):c.1553C>T (p.Pro518Leu)

Gene: FCHO1 (FCH and mu domain containing endocytic adaptor 1; plus strand). Cytogenetic location: 19p13.11.
Variant type: single nucleotide variant.
Coding change: c.1553C>T on transcript NM_015122.3 (MANE Select); coding-DNA position 1553, C replaced by T.
Protein change: p.Pro518Leu; replaces proline 518 with leucine.
Molecular consequence: missense variant. On other transcripts: non-coding transcript variant (14), intron variant (11).
Genome position (GRCh38, 1-based): chr19:17,778,810, C>T. VCF-style: chr19-17778810-C-T. GRCh37 (hg19) VCF-style: chr19-17889619-C-T.
Other names: c.1403C>T, p.Pro468Leu (NM_001384385.1, NM_001384386.1, NM_001161359.2 and 1 more transcripts); c.1553C>T, p.Pro518Leu (NM_001384387.1, NM_001384391.1, NM_001161357.2 and 13 more transcripts); c.1514C>T, p.Pro505Leu (NM_001384388.1, NM_001384389.1, NM_001384405.1); c.1478C>T, p.Pro493Leu (NM_001384390.1); c.1436C>T, p.Pro479Leu (NM_001384392.1, NM_001384393.1, NM_001384394.1 and 1 more transcripts); c.1351+582C>T (NM_001384396.1, NM_001384404.1, NM_001384398.1 and 5 more transcripts); c.1201+582C>T (NM_001384406.1); c.1058-2421C>T (NM_001384407.1); and 1 more; short protein forms P493L, P518L, P468L, P505L, P479L.
Identifiers: ClinVar variation 2125201 (VCV002125201.4), dbSNP rs1205712038, ClinGen allele CA404753904.